The following is an entry in ClinVar:

NC_000010.10:g.(?_88469642)_(88469827_?)del

Gene: LDB3 (LIM domain binding 3; plus strand). Cytogenetic location: 10q23.2.
Variant type: Deletion.
Identifiers: ClinVar variation 1373491 (VCV001373491.5).

ClinVar aggregate classification (germline): Uncertain significance (1 of 4 stars; one submission).

Conditions:
Myofibrillar myopathy 4. Also called: Zaspopathy (type). Identifiers: Orphanet 98912, MedGen C4721886, MONDO:0012277, OMIM 609452.

Submission:

Labcorp Genetics (formerly Invitae), Labcorp
Classification: Uncertain significance for Myofibrillar myopathy 4. Last evaluated: 2021-10-04. Review status: criteria provided, single submitter. Criteria: Invitae Variant Classification Sherloc (09022015). Collection method: clinical testing. Allele origin: germline.
Comment: This variant is a gross deletion of the genomic region encompassing exon 9 of the LDB3 gene. The LDB3 gene has multiple clinically relevant transcripts. This variant occurs in alternate transcript NM_007078.3, and corresponds to a deletion within a non-coding region in NM_001080116.1, the primary transcript. This deletion is out-of-frame, and is expected to create a premature translational stop signal and result in an absent or disrupted protein product. However, the current clinical and genetic evidence is not sufficient to establish whether loss-of-function variants in LDB3 cause disease. This variant has not been reported in the literature in individuals affected with LDB3-related conditions. In summary, the available evidence is currently insufficient to determine the role of this variant in disease. Therefore, it has been classified as a Variant of Uncertain Significance.